The following is an entry in ClinVar:

NM_006421.5(ARFGEF1):c.3743+6A>G

Gene: ARFGEF1 (ARF guanine nucleotide exchange factor 1; minus strand). Cytogenetic location: 8q13.2.
Variant type: single nucleotide variant.
Coding change: c.3743+6A>G on transcript NM_006421.5 (MANE Select); 6 bases into the intron after coding-DNA position 3743, A replaced by G.
Molecular consequence: intron variant.
Genome position (GRCh38, 1-based): chr8:67,227,441, T>C on the plus strand (A>G on the coding strand, the complement: ARFGEF1 is on the minus strand). VCF-style: chr8-67227441-T-C. GRCh37 (hg19) VCF-style: chr8-68139676-T-C.
Other names: c.3743+6A>G (NM_001413186.1, NM_001413187.1, NM_001413185.1 and 6 more transcripts); c.3143+6A>G (NM_001413188.1, NM_001413197.1, NM_001413193.1); c.2318+6A>G (NM_001413196.1); c.3737+6A>G (NM_001413190.1).
Identifiers: ClinVar variation 4822089 (VCV004822089.4).

ClinVar aggregate classification (germline): Likely benign (1 of 4 stars; one submission).

gnomAD v4.1: 108 of 1,611,750 alleles (0.0067%); highest among the groups gnomAD compares: African/African-American, 0.12%; no homozygotes.

Submission:

CeGaT Center for Human Genetics Tuebingen
Classification: Likely benign. Last evaluated: 2026-03-01. Review status: criteria provided, single submitter. Criteria: CeGaT Center For Human Genetics Tuebingen Variant Classification Criteria Version 2. Collection method: clinical testing. Allele origin: germline. Affected: yes. Observed: 1 variant allele.
Comment: ARFGEF1: BP4, BS1